The following is an entry in ClinVar:

NM_002016.2(FLG):c.4785_4788del (p.Ser1595fs)

Genes: CCDST (cervical cancer associated DHX9 suppressive transcript; plus strand), FLG (filaggrin; minus strand). Cytogenetic location: 1q21.3.
Variant type: Deletion.
Coding change: c.4785_4788del on transcript NM_002016.2 (MANE Select); coding-DNA positions 4785 to 4788, 4 bases deleted (TCAG; older notation c.4785_4788delTCAG).
Protein change: p.Ser1595fs; shifts the reading frame from serine 1595.
Molecular consequence: frameshift variant.
Genome position (GRCh38, 1-based): chr1:152,310,098-152,310,101, CTGA deleted on the plus strand (TCAG on the coding strand, the reverse complement: FLG is on the minus strand); deleting any 4 consecutive bases within chr1:152,310,098-152,310,103 gives the same sequence; the c. name uses the placement nearest the transcript's 3' end. VCF-style (leftmost placement, unchanged base first): chr1-152310097-CCTGA-C. GRCh37 (hg19) VCF-style: chr1-152282573-CCTGA-C.
Other names: c.4785_4788delTCAG (NM_002016.1); short protein forms S1595fs.
Identifiers: ClinVar variation 432814 (VCV000432814.18), dbSNP rs761519693, ClinGen allele CA1106059.
Genomic context (GRCh38, chr1:152,310,097, plus strand): 5'-TTCTGGAAGCCGACTCAGACCGCCTCTCAGAGTCTTCTGAGTGTCCCTCACTGTCCCTGT[CCTGA>C]CTAACACTGGATCCCTGGCGCCTGCTTGTCTTGGACCCCGCTGATTCTCCCTGGCCCACC-3'

ClinVar aggregate classification (germline): Pathogenic/Likely pathogenic. Review status: criteria provided, multiple submitters, no conflicts (2 of 4 stars). 8 submissions from 8 submitters: Pathogenic (3); Likely pathogenic (5). Last evaluated 2025-10-25.

Conditions:
FLG-related disorder. Also called: FLG-related disorders; FLG-related condition.
Ichthyosis vulgaris. Also called: ICHTHYOSIS SIMPLEX; Dominant ichthyosis vulgaris. Identifiers: MedGen C0079584, MONDO:0024304, OMIM 146700.

Submissions (8):

GeneDx
Classification: Pathogenic. Last evaluated: 2025-10-25. Review status: criteria provided, single submitter. Criteria: GeneDx Variant Classification Process June 2021. Collection method: clinical testing. Allele origin: germline. Affected: yes.
Comment: Frameshift variant in the C-terminus predicted to result in protein truncation, as the last 2467 amino acids are lost and replaced with 109 incorrect amino acids; Has not been previously published as pathogenic or benign to our knowledge; This variant is associated with the following publications: (PMID: 31589614, 16444271)

Blueprint Genetics
Classification: Likely pathogenic for FLG-related disorders. Last evaluated: 2024-11-20. Review status: criteria provided, single submitter. Criteria: ACMG Guidelines, 2015. Collection method: clinical testing. Allele origin: germline. Affected: yes. Observed: 5 variant alleles.

Centre for Clinical Genetics and Genomic Diagnostics, Zealand University Hospital
Classification: Likely pathogenic. Last evaluated: 2024-06-26. Review status: criteria provided, single submitter. Criteria: ACMG Guidelines, 2015. Collection method: clinical testing. Allele origin: germline. Affected: yes.

Department of Pathology and Laboratory Medicine, Sinai Health System
Classification: Likely pathogenic for Ichthyosis vulgaris. Last evaluated: 2023-08-02. Review status: criteria provided, single submitter. Criteria: ACMG Guidelines, 2015. Collection method: research. Allele origin: germline.

Genome-Nilou Lab
Classification: Likely pathogenic for Ichthyosis vulgaris. Last evaluated: 2023-04-11. Review status: criteria provided, single submitter. Criteria: ACMG Guidelines, 2015. Collection method: clinical testing. Allele origin: germline. Affected: no.

Mendelics
Classification: Pathogenic for Ichthyosis vulgaris. Last evaluated: 2022-05-04. Review status: criteria provided, single submitter. Criteria: Mendelics Assertion Criteria 2019. Collection method: clinical testing. Allele origin: germline.

Dasa
Classification: Likely pathogenic for Ichthyosis vulgaris. Last evaluated: 2022-03-05. Review status: criteria provided, single submitter. Criteria: ACMG Guidelines, 2015. Collection method: clinical testing. Allele origin: germline. Affected: yes. Observed: 1 variant allele.
Comment: The c.4785_4788delTCAG;p.(Ser1595Argfs*110) is a null frameshift variant (NMD) in the FLG gene and predicts alteration of the nonsense-mediate decay - NMD is present in a relevant exon to the transcript - PVS1_strong. This sequence change has been observed in affected individual(s) and ClinVar contains an entry for this variant (ClinVar ID: 432814)PS4_supporting. The variant is present at low allele frequencies population databases (rs761519693 – gnomAD 0.0003946%; ABraOM 0.000427 frequency.) - PM2_supporting. In summary, the currently available evidence indicates that the variant is likely pathogenic.

Laboratorio de Genetica e Diagnostico Molecular, Hospital Israelita Albert Einstein
Classification: Pathogenic for Ichthyosis vulgaris. Last evaluated: 2021-02-17. Review status: criteria provided, single submitter. Criteria: ACMG Guidelines, 2015. Collection method: clinical testing. Allele origin: germline. Affected: yes.
Comment: ACMG classification criteria: PVS1, PS4 supporting, PM2